The following is an entry in ClinVar:

ClinVar aggregate classification (germline): Uncertain significance. Review status: criteria provided, multiple submitters, no conflicts (2 of 4 stars). 3 submissions from 3 submitters: Uncertain significance (2). 1 of the submissions does not count toward it. Last evaluated 2025-03-27.

Conditions:
Inborn genetic diseases. Identifiers: MedGen C0950123, MeSH D030342.
Optic atrophy. Identifiers: MedGen C0029124, MONDO:0003608, HP:0000648.

Allele frequency attached by ClinVar (database versions not stated): TOPMed 0.00002; gnomAD 0.00004; gnomAD exomes 0.00010; ExAC 0.00011.
gnomAD v4.1: 111 of 1,613,920 alleles (0.0069%); highest among the groups gnomAD compares: Middle Eastern, 0.016%; no homozygotes.

Submissions (3):

Ambry Genetics
Classification: Uncertain significance for Inborn genetic diseases. Last evaluated: 2025-03-27. Review status: criteria provided, single submitter. Criteria: Ambry Variant Classification Scheme 2023. Collection method: clinical testing. Allele origin: germline.

Labcorp Genetics (formerly Invitae), Labcorp
Classification: Uncertain significance. Last evaluated: 2024-10-14. Review status: criteria provided, single submitter. Criteria: Invitae Variant Classification Sherloc (09022015). Collection method: clinical testing. Allele origin: germline.
Comment: This sequence change replaces serine, which is neutral and polar, with asparagine, which is neutral and polar, at codon 429 of the LRIT3 protein (p.Ser429Asn). This variant is present in population databases (rs201714421, gnomAD 0.04%). This variant has not been reported in the literature in individuals affected with LRIT3-related conditions. ClinVar contains an entry for this variant (Variation ID: 1525927). An algorithm developed to predict the effect of missense changes on protein structure and function (PolyPhen-2) suggests that this variant is likely to be tolerated. In summary, the available evidence is currently insufficient to determine the role of this variant in disease. Therefore, it has been classified as a Variant of Uncertain Significance.

Institute of Human Genetics, Univ. Regensburg, Univ. Regensburg
Classification: Uncertain significance for Optic atrophy. Last evaluated: 2022-01-01. Review status: no assertion criteria provided. Criteria: ACMG Guidelines, 2015. Collection method: clinical testing. Allele origin: germline. Affected: yes. Not counted in ClinVar's aggregate classification.

NM_198506.5(LRIT3):c.1286G>A (p.Ser429Asn)

Gene: LRIT3 (leucine rich repeat, Ig-like and transmembrane domains 3; plus strand). Cytogenetic location: 4q25.
Variant type: single nucleotide variant.
Coding change: c.1286G>A on transcript NM_198506.5 (MANE Select); coding-DNA position 1286, G replaced by A.
Protein change: p.Ser429Asn; replaces serine 429 with asparagine.
Molecular consequence: missense variant.
Genome position (GRCh38, 1-based): chr4:109,870,035, G>A. VCF-style: chr4-109870035-G-A. GRCh37 (hg19) VCF-style: chr4-110791191-G-A.
Other names: c.1151G>A (NM_198506.2); short protein forms S429N.
Identifiers: ClinVar variation 1525927 (VCV001525927.7), dbSNP rs201714421, ClinGen allele CA3043164.